The following is an entry in ClinVar:

ClinVar aggregate classification (germline): Uncertain significance. Review status: criteria provided, multiple submitters, no conflicts (2 of 4 stars). 4 submissions from 4 submitters: Uncertain significance (2). 2 of the submissions do not count toward it. Last evaluated 2025-06-23.

Conditions:
Glucose-6-phosphate transport defect (GSD1B). Also called: Glycogen Storage Disease Type Ib; GSD Ib. Identifiers: Orphanet 364, Orphanet 79259, MedGen C0268146, MONDO:0009288, OMIM 232220.
SLC37A4-related disorder. Also called: SLC37A4-related condition.

Allele frequency attached by ClinVar (database versions not stated): gnomAD exomes below 0.00001 and 0.00001; gnomAD 0.00004; TOPMed 0.00005; ESP Exome Variant Server 0.00008.

Submissions (4):

Revvity Omics, Revvity
Classification: Uncertain significance. Last evaluated: 2025-06-23. Review status: criteria provided, single submitter. Criteria: ACMG Guidelines, 2015. Collection method: clinical testing. Allele origin: germline.

Labcorp Genetics (formerly Invitae), Labcorp
Classification: Uncertain significance for Glucose-6-phosphate transport defect. Last evaluated: 2024-09-03. Review status: criteria provided, single submitter. Criteria: Invitae Variant Classification Sherloc (09022015). Collection method: clinical testing. Allele origin: germline.
Comment: This sequence change falls in intron 6 of the SLC37A4 gene. It does not directly change the encoded amino acid sequence of the SLC37A4 protein. It affects a nucleotide within the consensus splice site. This variant is present in population databases (rs373543021, gnomAD 0.01%). This variant has not been reported in the literature in individuals affected with SLC37A4-related conditions. ClinVar contains an entry for this variant (Variation ID: 663048). Variants that disrupt the consensus splice site are a relatively common cause of aberrant splicing (PMID: 17576681, 9536098). Algorithms developed to predict the effect of sequence changes on RNA splicing suggest that this variant is not likely to affect RNA splicing. In summary, the available evidence is currently insufficient to determine the role of this variant in disease. Therefore, it has been classified as a Variant of Uncertain Significance.

PreventionGenetics, part of Exact Sciences
Classification: Uncertain significance for SLC37A4-related condition. Last evaluated: 2024-09-25. Review status: no assertion criteria provided. Collection method: clinical testing. Allele origin: germline. Not counted in ClinVar's aggregate classification.
Comment: The SLC37A4 c.784+3A>G variant is predicted to interfere with splicing. To our knowledge, this variant has not been reported in the literature. This variant is reported in 0.0083% of alleles in individuals of African descent in gnomAD. At this time, the clinical significance of this variant is uncertain due to the absence of conclusive functional and genetic evidence.

Natera, Inc.
Classification: Uncertain significance for Glycogen storage disease type Ib. Last evaluated: 2021-02-17. Review status: no assertion criteria provided. Collection method: clinical testing. Allele origin: germline. Not counted in ClinVar's aggregate classification.

Literature cited by the submitters: PubMed 17576681 (cited by Labcorp Genetics (formerly Invitae), Labcorp); PubMed 9536098 (cited by Labcorp Genetics (formerly Invitae), Labcorp).

NM_001164277.2(SLC37A4):c.785+3A>G

Gene: SLC37A4 (solute carrier family 37 member 4; minus strand). Cytogenetic location: 11q23.3.
Variant type: single nucleotide variant.
Coding change: c.785+3A>G on transcript NM_001164277.2 (MANE Select); 3 bases into the intron after coding-DNA position 785, A replaced by G.
Molecular consequence: intron variant.
Genome position (GRCh38, 1-based): chr11:119,026,934, T>C on the plus strand (A>G on the coding strand, the complement: SLC37A4 is on the minus strand). VCF-style: chr11-119026934-T-C. GRCh37 (hg19) VCF-style: chr11-118897644-T-C.
Other names: c.784+3A>G (NM_001164277.2); c.566+3A>G (NM_001164279.2); c.785+3A>G (NM_001467.6, NM_001164278.2, NM_001164280.2).
Identifiers: ClinVar variation 663048 (VCV000663048.12), dbSNP rs373543021, ClinGen allele CA229598150.